The following is an entry in ClinVar:

ClinVar aggregate classification (germline): Likely benign (1 of 4 stars; one submission).

Conditions:
RTTN-related disorder. Also called: RTTN-related condition.

Submission:

PreventionGenetics, part of Exact Sciences
Classification: Likely benign for RTTN-related condition. Last evaluated: 2025-05-23. Review status: criteria provided, single submitter. Criteria: ACMG Guidelines, 2015. Collection method: clinical testing. Allele origin: germline.
Comment: This variant is classified as likely benign based on ACMG/AMP sequence variant interpretation guidelines (Richards et al. 2015 PMID: 25741868, with internal and published modifications).

NM_173630.4(RTTN):c.4303-10A>C

Gene: RTTN (rotatin; minus strand). Cytogenetic location: 18q22.2.
Variant type: single nucleotide variant.
Coding change: c.4303-10A>C on transcript NM_173630.4 (MANE Select); 10 bases into the intron before coding-DNA position 4303, A replaced by C.
Molecular consequence: intron variant.
Genome position (GRCh38, 1-based): chr18:70,086,694, T>G on the plus strand (A>C on the coding strand, the complement: RTTN is on the minus strand). VCF-style: chr18-70086694-T-G. GRCh37 (hg19) VCF-style: chr18-67753930-T-G.
Other names: c.1567-10A>C (NM_001318520.2).
Identifiers: ClinVar variation 4984008 (VCV004984008.1).